The following is an entry in ClinVar:

ClinVar aggregate classification (germline): Benign/Likely benign. Review status: criteria provided, multiple submitters, no conflicts (2 of 4 stars). 7 submissions from 7 submitters: Benign (3); Likely benign (2). 2 of the submissions do not count toward it. Last evaluated 2026-01-22.

Conditions:
Congenital hyperammonemia, type I. Also called: Carbamoyl phosphate synthetase 1 deficiency; Hyperammonemia due to carbamoyl phosphate synthetase 1 deficiency; CPS 1 deficiency; Carbamyl phosphate synthetase (CPS) deficiency; Carbamoyl phosphate synthetase I deficiency disease; CPS I DEFICIENCY. Identifiers: Orphanet 147, MedGen C4082171, MONDO:0009376, OMIM 237300.
Pulmonary hypertension, neonatal, susceptibility to (PHN). Identifiers: MedGen C3714958, MONDO:0014151, OMIM 615371.
CPS1-related disorder. Also called: CPS1-related condition.

Allele frequency attached by ClinVar (database versions not stated): gnomAD 0.00002 and 0.00060; TOPMed 0.00013; gnomAD exomes 0.00104 and 0.00214; ExAC 0.00243; 1000 Genomes Project 30x 0.00344; 1000 Genomes Project 0.00379.
gnomAD v4.1: 1,639 of 1,612,464 alleles (0.1%); highest among the groups gnomAD compares: South Asian, 1.6%; 27 homozygotes.

Submissions (7):

Labcorp Genetics (formerly Invitae), Labcorp
Classification: Benign for Congenital hyperammonemia, type I. Last evaluated: 2026-01-22. Review status: criteria provided, single submitter. Criteria: Invitae Variant Classification Sherloc (09022015). Collection method: clinical testing. Allele origin: germline.

CeGaT Center for Human Genetics Tuebingen
Classification: Benign. Last evaluated: 2025-07-01. Review status: criteria provided, single submitter. Criteria: CeGaT Center For Human Genetics Tuebingen Variant Classification Criteria Version 2. Collection method: clinical testing. Allele origin: germline. Affected: yes. Observed: 1 variant allele.
Comment: CPS1: BS1, BS2

Women's Health and Genetics/Laboratory Corporation of America, LabCorp
Classification: Likely benign. Last evaluated: 2022-05-03. Review status: criteria provided, single submitter. Criteria: LabCorp Variant Classification Summary - May 2015. Collection method: clinical testing. Allele origin: germline.

Fulgent Genetics
Classification: Likely benign for Congenital hyperammonemia, type I; Pulmonary hypertension, neonatal, susceptibility to. Last evaluated: 2022-04-06. Review status: criteria provided, single submitter. Criteria: ACMG Guidelines, 2015. Collection method: clinical testing. Allele origin: unknown.

Broad Center for Mendelian Genomics, Broad Institute of MIT and Harvard
Classification: Benign for Congenital hyperammonemia, type I. Review status: criteria provided, single submitter. Criteria: ACMG Guidelines, 2015. Collection method: research. Allele origin: germline. Inheritance: Autosomal recessive inheritance. Affected: yes.
Comment: The heterozygous p.Lys875Glu variant in CPS1 has been identified in an individual with carbamoyl phosphate synthetase I deficiency and in cis with a missense variant that may cause disease (PMID: 15164414), and has also been identified in >1% of South Asian chromosomes and 8 homozygotes by ExAC. In vitro functional studies provide some evidence that the p.Lys875Glu variant may not impact protein function (PMID: 24813853). However, these types of assays may not accurately represent biological function. In summary, this variant meets criteria to be classified as benign for carbamoyl phosphate synthetase I deficiency.

PreventionGenetics, part of Exact Sciences
Classification: Likely benign for CPS1-related condition. Last evaluated: 2024-05-13. Review status: no assertion criteria provided. Collection method: clinical testing. Allele origin: germline. Not counted in ClinVar's aggregate classification.
Comment: This variant is classified as likely benign based on ACMG/AMP sequence variant interpretation guidelines (Richards et al. 2015 PMID: 25741868, with internal and published modifications).

Natera, Inc.
Classification: Benign for Carbamoyl-phosphate synthase I deficiency. Last evaluated: 2020-04-26. Review status: no assertion criteria provided. Collection method: clinical testing. Allele origin: germline. Not counted in ClinVar's aggregate classification.

Literature cited by the submitters: PubMed 15164414 (cited by Broad Center for Mendelian Genomics, Broad Institute of MIT and Harvard); PubMed 24813853 (cited by Broad Center for Mendelian Genomics, Broad Institute of MIT and Harvard).

NM_001875.5(CPS1):c.2623A>G (p.Lys875Glu)

Gene: CPS1 (carbamoyl-phosphate synthase 1; plus strand). Cytogenetic location: 2q34.
Variant type: single nucleotide variant.
Coding change: c.2623A>G on transcript NM_001875.5 (MANE Select); coding-DNA position 2623, A replaced by G.
Protein change: p.Lys875Glu; replaces lysine 875 with glutamic acid.
Molecular consequence: missense variant. On other transcripts: non-coding transcript variant (2).
Genome position (GRCh38, 1-based): chr2:210,616,477, A>G. VCF-style: chr2-210616477-A-G. GRCh37 (hg19) VCF-style: chr2-211481201-A-G.
Other names: c.2623A>G, p.Lys875Glu (NM_001122633.3, NM_001369257.1); c.2656A>G, p.Lys886Glu (NM_001369256.1); short protein forms K875E, K886E.
Identifiers: ClinVar variation 702366 (VCV000702366.26), dbSNP rs147062907, ClinGen allele CA2086696.